The following is an entry in ClinVar:

NM_004304.5(ALK):c.856C>A (p.Gln286Lys)

Gene: ALK (ALK receptor tyrosine kinase; minus strand). Cytogenetic location: 2p23.2.
Variant type: single nucleotide variant.
Coding change: c.856C>A on transcript NM_004304.5 (MANE Select); coding-DNA position 856, C replaced by A.
Protein change: p.Gln286Lys; replaces glutamine 286 with lysine.
Molecular consequence: missense variant.
Genome position (GRCh38, 1-based): chr2:29,694,946, G>T on the plus strand (C>A on the coding strand, the complement: ALK is on the minus strand). VCF-style: chr2-29694946-G-T. GRCh37 (hg19) VCF-style: chr2-29917812-G-T.
Other names: short protein forms Q286K.
Identifiers: ClinVar variation 4730534 (VCV004730534.1).
Genomic context (GRCh38, chr2:29,694,946, plus strand): 5'-CATCCAGCAAGTCCATCTGGGAGGCCTCCTCGGAGGGGATGCGGCGCCAGGACCAGCTCT[G>T]GTTCCTGAGGTCATGCAGTGGAGGGGAATACTCCAGCTCACAGGGGAAGTCAAAGCTGCA-3'
Protein context (NP_004295.2, residues 276-296): YSPPLHDLRN[Gln286Lys]SWSWRRIPSE

ClinVar aggregate classification (germline): Uncertain significance (1 of 4 stars; one submission).

Conditions:
Neuroblastoma, susceptibility to, 3. Also called: ALK-Related Neuroblastic Tumor Susceptibility. Identifiers: Orphanet 635, MedGen C2751681, MONDO:0013083, OMIM 613014.

Submission:

Labcorp Genetics (formerly Invitae), Labcorp
Classification: Uncertain significance for Neuroblastoma, susceptibility to, 3. Last evaluated: 2025-11-05. Review status: criteria provided, single submitter. Criteria: Invitae Variant Classification Sherloc (09022015). Collection method: clinical testing. Allele origin: germline.
Comment: This sequence change replaces glutamine, which is neutral and polar, with lysine, which is basic and polar, at codon 286 of the ALK protein (p.Gln286Lys). This variant is not present in population databases (gnomAD no frequency). This variant has not been reported in the literature in individuals affected with ALK-related conditions. An algorithm developed to predict the effect of missense changes on protein structure and function (PolyPhen-2) suggests that this variant is likely to be tolerated. In summary, the available evidence is currently insufficient to determine the role of this variant in disease. Therefore, it has been classified as a Variant of Uncertain Significance.